The following is an entry in ClinVar:

NM_000780.4(CYP7A1):c.533T>C (p.Val178Ala)

Gene: CYP7A1 (cytochrome P450 family 7 subfamily A member 1; minus strand). Cytogenetic location: 8q12.1.
Variant type: single nucleotide variant.
Coding change: c.533T>C on transcript NM_000780.4 (MANE Select); coding-DNA position 533, T replaced by C.
Protein change: p.Val178Ala; replaces valine 178 with alanine.
Molecular consequence: missense variant.
Genome position (GRCh38, 1-based): chr8:58,496,979, A>G on the plus strand (T>C on the coding strand, the complement: CYP7A1 is on the minus strand). VCF-style: chr8-58496979-A-G. GRCh37 (hg19) VCF-style: chr8-59409538-A-G.
Other names: short protein forms V178A.
Identifiers: ClinVar variation 2830641 (VCV002830641.3), dbSNP rs2487039255, ClinGen allele CA371294189.

ClinVar aggregate classification (germline): Uncertain significance (1 of 4 stars; one submission).

Submission:

Labcorp Genetics (formerly Invitae), Labcorp
Classification: Uncertain significance. Last evaluated: 2023-05-12. Review status: criteria provided, single submitter. Criteria: Invitae Variant Classification Sherloc (09022015). Collection method: clinical testing. Allele origin: germline.
Comment: This sequence change replaces valine, which is neutral and non-polar, with alanine, which is neutral and non-polar, at codon 178 of the CYP7A1 protein (p.Val178Ala). This variant is not present in population databases (gnomAD no frequency). This variant has not been reported in the literature in individuals affected with CYP7A1-related conditions. Advanced modeling of protein sequence and biophysical properties (such as structural, functional, and spatial information, amino acid conservation, physicochemical variation, residue mobility, and thermodynamic stability) performed at Invitae indicates that this missense variant is not expected to disrupt CYP7A1 protein function. In summary, the available evidence is currently insufficient to determine the role of this variant in disease. Therefore, it has been classified as a Variant of Uncertain Significance.